The following is an entry in ClinVar:

NM_001031710.3(KLHL7):c.494C>G (p.Ala165Gly)

Gene: KLHL7 (kelch like family member 7; plus strand). Cytogenetic location: 7p15.3.
Variant type: single nucleotide variant.
Coding change: c.494C>G on transcript NM_001031710.3 (MANE Select); coding-DNA position 494, C replaced by G.
Protein change: p.Ala165Gly; replaces alanine 165 with glycine.
Molecular consequence: missense variant. On other transcripts: non-coding transcript variant (1).
Genome position (GRCh38, 1-based): chr7:23,140,820, C>G. VCF-style: chr7-23140820-C-G. GRCh37 (hg19) VCF-style: chr7-23180439-C-G.
Other names: c.350C>G, p.Ala117Gly (NM_018846.5); short protein forms A117G, A165G.
Identifiers: ClinVar variation 1312713 (VCV001312713.2), dbSNP rs2128464384, ClinGen allele CA366976066.

ClinVar aggregate classification (germline): Uncertain significance (1 of 4 stars; one submission).

Submission:

GeneDx
Classification: Uncertain significance. Last evaluated: 2020-06-24. Review status: criteria provided, single submitter. Criteria: GeneDx Variant Classification Process June 2021. Collection method: clinical testing. Allele origin: germline. Affected: yes.
Comment: Not observed in large population cohorts (Lek et al., 2016); In silico analysis supports that this missense variant has a deleterious effect on protein structure/function; Has not been previously published as pathogenic or benign to our knowledge